The following is an entry in ClinVar:

ClinVar aggregate classification (germline): Uncertain significance (1 of 4 stars; one submission).

Conditions:
LRRC45-related disorder. Also called: LRRC45-related condition.

Submission:

PreventionGenetics, part of Exact Sciences
Classification: Uncertain significance for LRRC45-related condition. Last evaluated: 2026-02-03. Review status: criteria provided, single submitter. Criteria: ACMG Guidelines, 2015. Collection method: clinical testing. Allele origin: germline.
Comment: The LRRC45 c.1514_1538del25 variant is predicted to result in a frameshift and premature protein termination (p.Leu505Argfs*46). To our knowledge, this variant has not been reported in the literature or in a large population database (gnomAD), indicating this variant is rare. At this time, the clinical significance of this variant is uncertain due to the absence of conclusive functional and genetic evidence.

NM_144999.4(LRRC45):c.1514_1538del (p.Leu505fs)

Gene: LRRC45 (leucine rich repeat containing 45; plus strand). Cytogenetic location: 17q25.3.
Variant type: Deletion.
Coding change: c.1514_1538del on transcript NM_144999.4 (MANE Select); coding-DNA positions 1514 to 1538, 25 bases deleted (TGGAGGACAAGCTGAGACTGCTGGC).
Protein change: p.Leu505fs; shifts the reading frame from leucine 505.
Molecular consequence: frameshift variant.
Genome position (GRCh38, 1-based): chr17:82,030,084-82,030,108, TGGAGGACAAGCTGAGACTGCTGGC deleted; deleting any 25 consecutive bases within chr17:82,030,083-82,030,108 gives the same sequence; the c. name uses the placement nearest the transcript's 3' end. VCF-style (leftmost placement, unchanged base first): chr17-82030082-CCTGGAGGACAAGCTGAGACTGCTGG-C. GRCh37 (hg19) VCF-style: chr17-79987958-CCTGGAGGACAAGCTGAGACTGCTGG-C.
Other names: short protein forms L505fs.
Identifiers: ClinVar variation 4991550 (VCV004991550.1).